The following is an entry in ClinVar:

NM_024529.5(CDC73):c.391G>T (p.Val131Phe)

Gene: CDC73 (cell division cycle 73; plus strand). Cytogenetic location: 1q31.2.
Variant type: single nucleotide variant.
Coding change: c.391G>T on transcript NM_024529.5 (MANE Select); coding-DNA position 391, G replaced by T.
Protein change: p.Val131Phe; replaces valine 131 with phenylalanine.
Molecular consequence: missense variant.
Genome position (GRCh38, 1-based): chr1:193,135,557, G>T. VCF-style: chr1-193135557-G-T. GRCh37 (hg19) VCF-style: chr1-193104687-G-T.
Other names: short protein forms V131F.
Identifiers: ClinVar variation 4868354 (VCV004868354.1).

ClinVar aggregate classification (germline): Uncertain significance (1 of 4 stars; one submission).

Conditions:
Hereditary cancer-predisposing syndrome. Also called: Neoplastic Syndromes, Hereditary; Tumor predisposition; Hereditary Cancer Syndrome; Hereditary neoplastic syndrome. Identifiers: Orphanet 140162, MedGen C0027672, MeSH D009386, MONDO:0015356.

Submission:

Ambry Genetics
Classification: Uncertain significance for Hereditary cancer-predisposing syndrome. Last evaluated: 2026-03-31. Review status: criteria provided, single submitter. Criteria: Ambry Variant Classification Scheme 2023. Collection method: clinical testing. Allele origin: germline.
Comment: The p.V131F variant (also known as c.391G>T), located in coding exon 5 of the CDC73 gene, results from a G to T substitution at nucleotide position 391. The valine at codon 131 is replaced by phenylalanine, an amino acid with highly similar properties. This amino acid position is conserved. In addition, the in silico prediction for this alteration is inconclusive. Based on the available evidence, the clinical significance of this variant remains unclear.